The following is an entry in ClinVar:

ClinVar aggregate classification (germline): Uncertain significance (1 of 4 stars; one submission).

Conditions:
MHC class II deficiency. Also called: Bare lymphocyte syndrome 2; BLS, TYPE II. Identifiers: Orphanet 572, MedGen C5447452, MONDO:0008855.

gnomAD v4.1: 2 of 1,614,164 alleles (0.00012%); highest among the groups gnomAD compares: Admixed American, 0.0017%; no homozygotes.

Submission:

Labcorp Genetics (formerly Invitae), Labcorp
Classification: Uncertain significance for MHC class II deficiency. Last evaluated: 2021-09-17. Review status: criteria provided, single submitter. Criteria: Invitae Variant Classification Sherloc (09022015). Collection method: clinical testing. Allele origin: germline.
Comment: This sequence change replaces alanine with valine at codon 691 of the CIITA protein (p.Ala691Val). The alanine residue is moderately conserved and there is a small physicochemical difference between alanine and valine. This variant is not present in population databases (ExAC no frequency). This variant has not been reported in the literature in individuals with CIITA-related conditions. Algorithms developed to predict the effect of missense changes on protein structure and function (SIFT, PolyPhen-2, Align-GVGD) all suggest that this variant is likely to be tolerated, but these predictions have not been confirmed by published functional studies and their clinical significance is uncertain. In summary, the available evidence is currently insufficient to determine the role of this variant in disease. Therefore, it has been classified as a Variant of Uncertain Significance.

NM_000246.4(CIITA):c.2072C>T (p.Ala691Val)

Gene: CIITA (class II major histocompatibility complex transactivator; plus strand). Cytogenetic location: 16p13.13.
Variant type: single nucleotide variant.
Coding change: c.2072C>T on transcript NM_000246.4 (MANE Select); coding-DNA position 2072, C replaced by T.
Protein change: p.Ala691Val; replaces alanine 691 with valine.
Molecular consequence: missense variant. On other transcripts: intron variant (1).
Genome position (GRCh38, 1-based): chr16:10,907,564, C>T. VCF-style: chr16-10907564-C-T. GRCh37 (hg19) VCF-style: chr16-11001421-C-T.
Other names: c.2075C>T, p.Ala692Val (NM_001286402.1, NM_001379332.1); c.1928C>T, p.Ala643Val (NM_001379330.1); c.1925C>T, p.Ala642Val (NM_001379331.1); c.2072C>T, p.Ala691Val (NM_001379333.1); c.2003C>T, p.Ala668Val (NM_001379334.1); c.860-1419C>T (NM_001286403.2); short protein forms A668V, A642V, A643V, A691V, A692V.
Identifiers: ClinVar variation 2165754 (VCV002165754.1), dbSNP rs78108426, ClinGen allele CA394732334.